The following is an entry in ClinVar:

NM_005902.4(SMAD3):c.72C>G (p.Asn24Lys)

Gene: SMAD3 (SMAD family member 3; plus strand). Cytogenetic location: 15q22.33.
Variant type: single nucleotide variant.
Coding change: c.72C>G on transcript NM_005902.4 (MANE Select); coding-DNA position 72, C replaced by G.
Protein change: p.Asn24Lys; replaces asparagine 24 with lysine.
Molecular consequence: missense variant.
Genome position (GRCh38, 1-based): chr15:67,066,226, C>G. VCF-style: chr15-67066226-C-G. GRCh37 (hg19) VCF-style: chr15-67358564-C-G.
Other names: short protein forms N24K.
Identifiers: ClinVar variation 575061 (VCV000575061.7), dbSNP rs780995229, ClinGen allele CA272431463.

ClinVar aggregate classification (germline): Uncertain significance (1 of 4 stars; one submission).

Conditions:
Familial thoracic aortic aneurysm and aortic dissection (TAAD). Also called: Thoracic aortic aneurysms and dissections. Identifiers: Orphanet 91387, MedGen C4707243, MONDO:0019625.

Submission:

Labcorp Genetics (formerly Invitae), Labcorp
Classification: Uncertain significance for Familial thoracic aortic aneurysm and aortic dissection. Last evaluated: 2018-06-14. Review status: criteria provided, single submitter. Criteria: Invitae Variant Classification Sherloc (09022015). Collection method: clinical testing. Allele origin: germline.
Comment: This variant is not present in population databases (ExAC no frequency). This sequence change replaces asparagine with lysine at codon 24 of the SMAD3 protein (p.Asn24Lys). The asparagine residue is moderately conserved and there is a moderate physicochemical difference between asparagine and lysine. This variant has not been reported in the literature in individuals with SMAD3-related disease. In summary, the available evidence is currently insufficient to determine the role of this variant in disease. Therefore, it has been classified as a Variant of Uncertain Significance. Algorithms developed to predict the effect of missense changes on protein structure and function are either unavailable or do not agree on the potential impact of this missense change (SIFT: "Deleterious"; PolyPhen-2: "Benign"; Align-GVGD: "Class C0").